The following is an entry in ClinVar:

ClinVar aggregate classification (germline): Uncertain significance. Review status: criteria provided, multiple submitters, no conflicts (2 of 4 stars). 2 submissions from 2 submitters: Uncertain significance (2). Last evaluated 2025-10-15.

Conditions:
Inborn genetic diseases. Identifiers: MedGen C0950123, MeSH D030342.
Deficiency of alpha-mannosidase (MANSA). Also called: Alpha-Mannosidosis; Mannosidosis, alpha-, types I and II; LYSOSOMAL ALPHA-D-MANNOSIDASE DEFICIENCY. Identifiers: Orphanet 61, MedGen C0024748, MONDO:0009561, OMIM 248500.

Submissions (2):

Ambry Genetics
Classification: Uncertain significance for Inborn genetic diseases. Last evaluated: 2025-10-15. Review status: criteria provided, single submitter. Criteria: Ambry Variant Classification Scheme 2023. Collection method: clinical testing. Allele origin: germline.

Labcorp Genetics (formerly Invitae), Labcorp
Classification: Uncertain significance for Deficiency of alpha-mannosidase. Last evaluated: 2024-08-14. Review status: criteria provided, single submitter. Criteria: Invitae Variant Classification Sherloc (09022015). Collection method: clinical testing. Allele origin: germline.
Comment: This sequence change replaces alanine, which is neutral and non-polar, with glutamic acid, which is acidic and polar, at codon 559 of the MAN2B1 protein (p.Ala559Glu). This variant is present in population databases (rs199588220, gnomAD 0.0009%). This variant has not been reported in the literature in individuals affected with MAN2B1-related conditions. Invitae Evidence Modeling of protein sequence and biophysical properties (such as structural, functional, and spatial information, amino acid conservation, physicochemical variation, residue mobility, and thermodynamic stability) indicates that this missense variant is not expected to disrupt MAN2B1 protein function with a negative predictive value of 95%. In summary, the available evidence is currently insufficient to determine the role of this variant in disease. Therefore, it has been classified as a Variant of Uncertain Significance.

NM_000528.4(MAN2B1):c.1676C>A (p.Ala559Glu)

Gene: MAN2B1 (mannosidase alpha class 2B member 1; minus strand). Cytogenetic location: 19p13.13.
Variant type: single nucleotide variant.
Coding change: c.1676C>A on transcript NM_000528.4 (MANE Select); coding-DNA position 1676, C replaced by A.
Protein change: p.Ala559Glu; replaces alanine 559 with glutamic acid.
Molecular consequence: missense variant.
Genome position (GRCh38, 1-based): chr19:12,655,848, G>T on the plus strand (C>A on the coding strand, the complement: MAN2B1 is on the minus strand). VCF-style: chr19-12655848-G-T. GRCh37 (hg19) VCF-style: chr19-12766662-G-T.
Other names: c.1676C>A (NM_000528.3); c.1673C>A, p.Ala558Glu (NM_001173498.2); short protein forms A559E, A558E.
Identifiers: ClinVar variation 3706432 (VCV003706432.3).